The following is an entry in ClinVar:

ClinVar aggregate classification (germline): Uncertain significance (1 of 4 stars; one submission).

gnomAD v4.1: 28 of 1,610,816 alleles (0.0017%); highest among the groups gnomAD compares: South Asian, 0.019%; 1 homozygote.

Submission:

Women's Health and Genetics/Laboratory Corporation of America, LabCorp
Classification: Uncertain significance. Last evaluated: 2026-03-17. Review status: criteria provided, single submitter. Criteria: LabCorp Variant Classification Summary - May 2015. Collection method: clinical testing. Allele origin: germline.
Comment: Variant summary: PRX c.4264C>T (p.Arg1422Trp) results in a non-conservative amino acid change in the encoded protein sequence. Algorithms developed to predict the effect of missense changes on protein structure and function are either unavailable or do not agree on the potential impact of this missense change. The variant allele was found at a frequency of 8e-06 in 249968 control chromosomes. The available data on variant occurrences in the general population are insufficient to allow any conclusion about variant significance. To our knowledge, no occurrence of c.4264C>T in individuals affected with PRX-related conditions and no experimental evidence demonstrating its impact on protein function have been reported. No submitters have cited clinical-significance assessments for this variant to ClinVar. Based on the evidence outlined above, the variant was classified as uncertain significance.

NM_181882.3(PRX):c.4264C>T (p.Arg1422Trp)

Gene: PRX (periaxin; minus strand). Cytogenetic location: 19q13.2.
Variant type: single nucleotide variant.
Coding change: c.4264C>T on transcript NM_181882.3 (MANE Select); coding-DNA position 4264, C replaced by T.
Protein change: p.Arg1422Trp; replaces arginine 1422 with tryptophan.
Molecular consequence: missense variant. On other transcripts: 3 prime UTR variant (1).
Genome position (GRCh38, 1-based): chr19:40,394,088, G>A on the plus strand (C>T on the coding strand, the complement: PRX is on the minus strand). VCF-style: chr19-40394088-G-A. GRCh37 (hg19) VCF-style: chr19-40899995-G-A.
Other names: c.4549C>T, p.Arg1517Trp (NM_001411127.1); c.*4469C>T (NM_020956.2); short protein forms R1422W, R1517W.
Identifiers: ClinVar variation 4847182 (VCV004847182.1).